The following is an entry in ClinVar:

NC_000009.11:g.(?_113431185)_(113550138_?)del

Gene: MUSK (muscle associated receptor tyrosine kinase; plus strand). Cytogenetic location: 9q31.3.
Variant type: Deletion.
Identifiers: ClinVar variation 1460264 (VCV001460264.6).

ClinVar aggregate classification (germline): Pathogenic (1 of 4 stars; one submission).

Conditions:
Fetal akinesia deformation sequence 1 (FADS1). Also called: Pena-Shokeir syndrome type I; Fetal akinesia sequence. Identifiers: Orphanet 994, MedGen C1276035, MONDO:0100101, OMIM 208150, HP:0001989.
Congenital myasthenic syndrome 9. Also called: Myasthenic syndrome, congenital, 9, associated with acetylcholine receptor deficiency. Identifiers: Orphanet 590, MedGen C4225368, MONDO:0014587, OMIM 616325.

Submission:

Labcorp Genetics (formerly Invitae), Labcorp
Classification: Pathogenic for Congenital myasthenic syndrome 9; Fetal akinesia deformation sequence 1. Last evaluated: 2023-04-12. Review status: criteria provided, single submitter. Criteria: Invitae Variant Classification Sherloc (09022015). Collection method: clinical testing. Allele origin: germline.
Comment: For these reasons, this variant has been classified as Pathogenic. This variant has not been reported in the literature in individuals affected with MUSK-related conditions. This variant is a gross deletion of the genomic region encompassing exon(s) 1-14 of the MUSK gene, which includes the initiator codon. This deletion extends beyond the assayed region for this gene and therefore may encompass additional genes. It is expected to result in an absent or disrupted protein product. Loss-of-function variants in MUSK are known to be pathogenic (PMID: 8653786, 25612909, 25695962, 25900532).

Literature cited by the submitters: PubMed 8653786; PubMed 25612909; PubMed 25695962; PubMed 25900532.